The following is an entry in ClinVar:

NM_017813.5(BPNT2):c.112C>G (p.Leu38Val)

Genes: BPNT2 (3'(2'), 5'-bisphosphate nucleotidase 2; minus strand), LOC130000433 (ATAC-STARR-seq lymphoblastoid silent region 19212; plus strand). Cytogenetic location: 8q12.1.
Variant type: single nucleotide variant.
Coding change: c.112C>G on transcript NM_017813.5 (MANE Select); coding-DNA position 112, C replaced by G.
Protein change: p.Leu38Val; replaces leucine 38 with valine.
Molecular consequence: missense variant.
Genome position (GRCh38, 1-based): chr8:56,993,474, G>C on the plus strand (C>G on the coding strand, the complement: BPNT2 is on the minus strand). VCF-style: chr8-56993474-G-C. GRCh37 (hg19) VCF-style: chr8-57906033-G-C.
Other names: short protein forms L38V.
Identifiers: ClinVar variation 2178009 (VCV002178009.1), dbSNP rs1806454838, ClinGen allele CA371386381.

ClinVar aggregate classification (germline): Uncertain significance (1 of 4 stars; one submission).

Allele frequency attached by ClinVar (database versions not stated): gnomAD exomes 0.00001.
gnomAD v4.1: 4 of 1,498,920 alleles (0.00027%); highest among the groups gnomAD compares: Admixed American, 0.0091%; no homozygotes.

Submission:

Labcorp Genetics (formerly Invitae), Labcorp
Classification: Uncertain significance. Last evaluated: 2022-08-08. Review status: criteria provided, single submitter. Criteria: Invitae Variant Classification Sherloc (09022015). Collection method: clinical testing. Allele origin: germline.
Comment: This sequence change replaces leucine, which is neutral and non-polar, with valine, which is neutral and non-polar, at codon 38 of the IMPAD1 protein (p.Leu38Val). This variant is not present in population databases (gnomAD no frequency). This variant has not been reported in the literature in individuals affected with IMPAD1-related conditions. Algorithms developed to predict the effect of missense changes on protein structure and function (SIFT, PolyPhen-2, Align-GVGD) all suggest that this variant is likely to be tolerated. In summary, the available evidence is currently insufficient to determine the role of this variant in disease. Therefore, it has been classified as a Variant of Uncertain Significance.